The following is an entry in ClinVar:

ClinVar aggregate classification (germline): Uncertain significance (1 of 4 stars; one submission).

Allele frequency attached by ClinVar (database versions not stated): gnomAD exomes below 0.00001; ExAC 0.00001.
gnomAD v4.1: 3 of 1,609,610 alleles (0.00019%); highest among the groups gnomAD compares: Non-Finnish European, 0.00026%; no homozygotes.

Submission:

Labcorp Genetics (formerly Invitae), Labcorp
Classification: Uncertain significance. Last evaluated: 2022-09-27. Review status: criteria provided, single submitter. Criteria: Invitae Variant Classification Sherloc (09022015). Collection method: clinical testing. Allele origin: germline.
Comment: In summary, the available evidence is currently insufficient to determine the role of this variant in disease. Therefore, it has been classified as a Variant of Uncertain Significance. Advanced modeling of protein sequence and biophysical properties (such as structural, functional, and spatial information, amino acid conservation, physicochemical variation, residue mobility, and thermodynamic stability) performed at Invitae indicates that this missense variant is not expected to disrupt OPA1 protein function. ClinVar contains an entry for this variant (Variation ID: 1426293). This variant has not been reported in the literature in individuals affected with OPA1-related conditions. This variant is present in population databases (rs767354521, gnomAD 0.0009%). This sequence change replaces histidine, which is basic and polar, with glutamine, which is neutral and polar, at codon 852 of the OPA1 protein (p.His852Gln).

NM_130837.3(OPA1):c.2721T>G (p.His907Gln)

Gene: OPA1 (OPA1 mitochondrial dynamin like GTPase; plus strand). Cytogenetic location: 3q29.
Variant type: single nucleotide variant.
Coding change: c.2721T>G on transcript NM_130837.3 (MANE Select); coding-DNA position 2721, T replaced by G.
Protein change: p.His907Gln; replaces histidine 907 with glutamine.
Molecular consequence: missense variant.
Genome position (GRCh38, 1-based): chr3:193,664,939, T>G. VCF-style: chr3-193664939-T-G. GRCh37 (hg19) VCF-style: chr3-193382728-T-G.
Other names: c.2187T>G, p.His729Gln (NM_001354663.2); c.2184T>G, p.His728Gln (NM_001354664.2); c.2556T>G, p.His852Gln (NM_015560.3); c.2448T>G, p.His816Gln (NM_130831.3); c.2502T>G, p.His834Gln (NM_130832.3); c.2559T>G, p.His853Gln (NM_130833.3); c.2610T>G, p.His870Gln (NM_130834.3); c.2613T>G, p.His871Gln (NM_130835.3); and 1 more; short protein forms H871Q, H728Q, H852Q, H853Q, H907Q, H816Q, H834Q, H729Q.
Identifiers: ClinVar variation 1426293 (VCV001426293.8), dbSNP rs767354521, ClinGen allele CA2759734.